The following is an entry in ClinVar:

NM_022114.4(PRDM16):c.3675G>C (p.Leu1225=)

Gene: PRDM16 (PR/SET domain 16; plus strand). Cytogenetic location: 1p36.32.
Variant type: single nucleotide variant.
Coding change: c.3675G>C on transcript NM_022114.4 (MANE Select); coding-DNA position 3675, G replaced by C.
Protein change: p.Leu1225=; no amino-acid change (leucine 1225 retained).
Molecular consequence: synonymous variant.
Genome position (GRCh38, 1-based): chr1:3,432,119, G>C. VCF-style: chr1-3432119-G-C. GRCh37 (hg19) VCF-style: chr1-3348683-G-C.
Other names: c.3675G>C, p.Leu1225= (NM_199454.3).
Identifiers: ClinVar variation 474435 (VCV000474435.10), dbSNP rs201038279, ClinGen allele CA544930.
Genomic context (GRCh38, chr1:3,432,119, plus strand): 5'-ATTTGAAGTTAAAGATGTGCTTAATTCCACCTTAGATTCTGAGGCTTTAAAACATACACT[G>C]TGCAGGCAGGCTAAGAACCAGGTAGGTACCCGCCAGAGCCCCTCCCCCACCCCACCTGGC-3'
Protein context (NP_071397.3, residues 1215-1235): TLDSEALKHT[Leu1225=]CRQAKNQAYA

ClinVar aggregate classification (germline): Likely benign. Review status: criteria provided, multiple submitters, no conflicts (2 of 4 stars). 4 submissions from 4 submitters: Likely benign (4). Last evaluated 2025-12-31.

Conditions:
PRDM16-related disorder. Also called: PRDM16-related condition.
Left ventricular noncompaction 8 (LVNC8). Identifiers: Orphanet 154, Orphanet 54260, MedGen C3809288, MONDO:0014152, OMIM 615373.

Allele frequency attached by ClinVar (database versions not stated): gnomAD 0.00014 and 0.00015; gnomAD exomes 0.00018 and 0.00032; ExAC 0.00020; TOPMed 0.00020; ESP Exome Variant Server 0.00049.
gnomAD v4.1: 502 of 1,613,604 alleles (0.031%); highest among the groups gnomAD compares: Non-Finnish European, 0.039%; no homozygotes.

Submissions (4):

Labcorp Genetics (formerly Invitae), Labcorp
Classification: Likely benign for Left ventricular noncompaction 8. Last evaluated: 2025-12-31. Review status: criteria provided, single submitter. Criteria: Invitae Variant Classification Sherloc (09022015). Collection method: clinical testing. Allele origin: germline.

PreventionGenetics, part of Exact Sciences
Classification: Likely benign for PRDM16-related condition. Last evaluated: 2024-12-03. Review status: criteria provided, single submitter. Criteria: ACMG Guidelines, 2015. Collection method: clinical testing. Allele origin: germline.
Comment: This variant is classified as likely benign based on ACMG/AMP sequence variant interpretation guidelines (Richards et al. 2015 PMID: 25741868, with internal and published modifications).

Blueprint Genetics
Classification: Likely benign. Last evaluated: 2024-10-15. Review status: criteria provided, single submitter. Criteria: ACMG Guidelines, 2015. Collection method: clinical testing. Allele origin: germline.

GeneDx
Classification: Likely benign. Last evaluated: 2017-08-04. Review status: criteria provided, single submitter. Criteria: GeneDx Variant Classification (06012015). Collection method: clinical testing. Allele origin: germline. Affected: yes.
Comment: This variant is considered likely benign or benign based on one or more of the following criteria: it is a conservative change, it occurs at a poorly conserved position in the protein, it is predicted to be benign by multiple in silico algorithms, and/or has population frequency not consistent with disease.